The following is an entry in ClinVar:

NM_000057.4(BLM):c.1195G>A (p.Glu399Lys)

Gene: BLM (BLM RecQ like helicase; plus strand). Cytogenetic location: 15q26.1.
Variant type: single nucleotide variant.
Coding change: c.1195G>A on transcript NM_000057.4 (MANE Select); coding-DNA position 1195, G replaced by A.
Protein change: p.Glu399Lys; replaces glutamic acid 399 with lysine.
Molecular consequence: missense variant.
Genome position (GRCh38, 1-based): chr15:90,760,254, G>A. VCF-style: chr15-90760254-G-A. GRCh37 (hg19) VCF-style: chr15-91303484-G-A.
Other names: c.1195G>A (LRG_20t1); c.1195G>A, p.Glu399Lys (NM_001287246.2, NM_001287247.2); c.70G>A, p.Glu24Lys (NM_001287248.2); short protein forms E399K, E24K.
Identifiers: ClinVar variation 485334 (VCV000485334.14), dbSNP rs538728271, ClinGen allele CA7738481.

ClinVar aggregate classification (germline): Conflicting classifications of pathogenicity. Review status: criteria provided, conflicting classifications (1 of 4 stars). 4 submissions from 4 submitters: Uncertain significance (3); Likely benign (1). Last evaluated 2025-12-03.

Conditions:
Bloom syndrome (BLM). Also called: Bloom-Torre-Machacek syndrome. Identifiers: Orphanet 125, MedGen C0005859, MONDO:0008876, OMIM 210900.
Hereditary cancer-predisposing syndrome. Also called: Neoplastic Syndromes, Hereditary; Tumor predisposition; Hereditary Cancer Syndrome; Hereditary neoplastic syndrome. Identifiers: Orphanet 140162, MedGen C0027672, MeSH D009386, MONDO:0015356.

Allele frequency attached by ClinVar (database versions not stated): gnomAD below 0.00001 and 0.00001; TOPMed 0.00002; gnomAD exomes 0.00007 and 0.00014; ExAC 0.00017.

Submissions (4):

Labcorp Genetics (formerly Invitae), Labcorp
Classification: Uncertain significance for Bloom syndrome. Last evaluated: 2025-12-03. Review status: criteria provided, single submitter. Criteria: Invitae Variant Classification Sherloc (09022015). Collection method: clinical testing. Allele origin: germline.
Comment: This sequence change replaces glutamic acid, which is acidic and polar, with lysine, which is basic and polar, at codon 399 of the BLM protein (p.Glu399Lys). This variant is present in population databases (rs538728271, gnomAD 0.1%). This variant has not been reported in the literature in individuals affected with BLM-related conditions. ClinVar contains an entry for this variant (Variation ID: 485334). Invitae Evidence Modeling of protein sequence and biophysical properties (such as structural, functional, and spatial information, amino acid conservation, physicochemical variation, residue mobility, and thermodynamic stability) indicates that this missense variant is not expected to disrupt BLM protein function with a negative predictive value of 80%. In summary, the available evidence is currently insufficient to determine the role of this variant in disease. Therefore, it has been classified as a Variant of Uncertain Significance.

Quest Diagnostics Nichols Institute San Juan Capistrano
Classification: Uncertain significance. Last evaluated: 2025-07-24. Review status: criteria provided, single submitter. Criteria: Quest Diagnostics criteria. Collection method: clinical testing. Allele origin: unknown.
Comment: The BLM c.1195G>A (p.Glu399Lys) variant has not been reported in individuals with BLM-related conditions in the published literature. The frequency of this variant in the general population (Genome Aggregation Database) is higher than would generally be expected for pathogenic variants in this gene. Analysis of this variant using bioinformatics tools for the prediction of the effect of amino acid changes on protein structure and function yielded predictions that this variant is benign. Based on the available information, we are unable to determine the clinical significance of this variant.

Ambry Genetics
Classification: Likely benign for Hereditary cancer-predisposing syndrome. Last evaluated: 2022-09-01. Review status: criteria provided, single submitter. Criteria: Ambry Variant Classification Scheme 2023. Collection method: clinical testing. Allele origin: germline.

Fulgent Genetics
Classification: Uncertain significance for Bloom syndrome. Last evaluated: 2018-10-31. Review status: criteria provided, single submitter. Criteria: ACMG Guidelines, 2015. Collection method: clinical testing. Allele origin: unknown.